The following is an entry in ClinVar:

NM_000334.4(SCN4A):c.3688G>A (p.Val1230Met)

Genes: GH-LCR (growth hormone locus control region; plus strand), SCN4A (sodium voltage-gated channel alpha subunit 4; minus strand). Cytogenetic location: 17q23.3.
Variant type: single nucleotide variant.
Coding change: c.3688G>A on transcript NM_000334.4 (MANE Select); coding-DNA position 3688, G replaced by A.
Protein change: p.Val1230Met; replaces valine 1230 with methionine.
Molecular consequence: missense variant.
Genome position (GRCh38, 1-based): chr17:63,945,392, C>T on the plus strand (G>A on the coding strand, the complement: SCN4A is on the minus strand). VCF-style: chr17-63945392-C-T. GRCh37 (hg19) VCF-style: chr17-62022752-C-T.
Other names: short protein forms V1230M.
Identifiers: ClinVar variation 384521 (VCV000384521.10), dbSNP rs778820577, ClinGen allele CA8709207.
Genomic context (GRCh38, chr17:63,945,392, plus strand): 5'-CCCGGCAGGGGTGGTGGGTCACACTCACCACCTGCAGGAGGGAGAGGTAGCCCAGACCCA[C>T]GTTGTCGTAGTTGACCTTGACATTGAGCCAGCGGACCTGGCCTGTGTGCATGAGGCTCTC-3'
Protein context (NP_000325.4, residues 1220-1240): WLNVKVNYDN[Val1230Met]GLGYLSLLQV

ClinVar aggregate classification (germline): Conflicting classifications of pathogenicity. Review status: criteria provided, conflicting classifications (1 of 4 stars). 4 submissions from 4 submitters: Likely pathogenic (1); Uncertain significance (3). Last evaluated 2026-03-25.

Conditions:
SCN4A-related disorder. Also called: SCN4A-related disorders.
Hyperkalemic periodic paralysis. Also called: Familial hyperkalemic periodic paralysis; Gamstorp disease. Identifiers: Orphanet 682, MedGen C0238357, MONDO:0008224, OMIM 170500, HP:0007215.

Allele frequency attached by ClinVar (database versions not stated): gnomAD exomes 0.00005 and 0.00003; gnomAD 0.00002 and 0.00004; TOPMed 0.00003; ExAC 0.00005.
gnomAD v4.1: 46 of 1,612,832 alleles (0.0029%); highest among the groups gnomAD compares: Admixed American, 0.017%; no homozygotes.

Submissions (4):

PreventionGenetics, part of Exact Sciences
Classification: Uncertain significance for SCN4A-related condition. Last evaluated: 2026-03-25. Review status: criteria provided, single submitter. Criteria: ACMG Guidelines, 2015. Collection method: clinical testing. Allele origin: germline.
Comment: The SCN4A c.3688G>A variant is predicted to result in the amino acid substitution p.Val1230Met. To our knowledge, this variant has not been reported in the literature. This variant is reported in 0.015% of alleles in individuals of Latino descent in gnomAD. At this time, the clinical significance of this variant is uncertain due to the absence of conclusive functional and genetic evidence.

Labcorp Genetics (formerly Invitae), Labcorp
Classification: Uncertain significance for Hyperkalemic periodic paralysis. Last evaluated: 2025-11-11. Review status: criteria provided, single submitter. Criteria: Invitae Variant Classification Sherloc (09022015). Collection method: clinical testing. Allele origin: germline.
Comment: This sequence change replaces valine, which is neutral and non-polar, with methionine, which is neutral and non-polar, at codon 1230 of the SCN4A protein (p.Val1230Met). This variant is present in population databases (rs778820577, gnomAD 0.01%). This variant has not been reported in the literature in individuals affected with SCN4A-related conditions. ClinVar contains an entry for this variant (Variation ID: 384521). Invitae Evidence Modeling of protein sequence and biophysical properties (such as structural, functional, and spatial information, amino acid conservation, physicochemical variation, residue mobility, and thermodynamic stability) indicates that this missense variant is expected to disrupt SCN4A protein function with a positive predictive value of 95%. In summary, the available evidence is currently insufficient to determine the role of this variant in disease. Therefore, it has been classified as a Variant of Uncertain Significance.

Laboratorio de Genetica e Diagnostico Molecular, Hospital Israelita Albert Einstein
Classification: Uncertain significance for Hyperkalemic periodic paralysis. Last evaluated: 2022-10-11. Review status: criteria provided, single submitter. Criteria: ACMG Guidelines, 2015. Collection method: clinical testing. Allele origin: germline. Affected: yes. Observed: 1 variant allele.
Comment: ACMG classification criteria: PP3 supporting

GeneDx
Classification: Likely pathogenic. Last evaluated: 2016-03-02. Review status: criteria provided, single submitter. Criteria: GeneDx Variant Classification (06012015). Collection method: clinical testing. Allele origin: germline. Affected: yes.
Comment: The V1230M variant in the SCN4A gene has not been reported previously as a pathogenic variant, nor as a benign variant, to our knowledge. The V1230M variant was not observed in approximately 6400 individuals of European and African American ancestry in the NHLBI Exome Sequencing Project, indicating it is not a common benign variant in these populations. The V1230M variant is a conservative amino acid substitution, which occurs at a position that is conserved across species. In silico analysis predicts this variant is probably damaging to the protein structure/function. The V1230M variant is a strong candidate for a pathogenic variant, however the possibility it may be a rare benign variant cannot be excluded.